The following is an entry in ClinVar:

ClinVar aggregate classification (germline): Uncertain significance. Review status: criteria provided, multiple submitters, no conflicts (2 of 4 stars). 3 submissions from 3 submitters: Uncertain significance (3). Last evaluated 2025-09-28.

Conditions:
Hereditary cancer-predisposing syndrome. Also called: Neoplastic Syndromes, Hereditary; Tumor predisposition; Hereditary neoplastic syndrome; Hereditary Cancer Syndrome. Identifiers: Orphanet 140162, MedGen C0027672, MeSH D009386, MONDO:0015356.

Allele frequency attached by ClinVar (database versions not stated): gnomAD below 0.00001 and 0.00001; gnomAD exomes below 0.00001; ExAC 0.00001; TOPMed 0.00001.
gnomAD v4.1: 5 of 1,613,718 alleles (0.00031%); highest among the groups gnomAD compares: South Asian, 0.0055%; no homozygotes.

Submissions (3):

Ambry Genetics
Classification: Uncertain significance for Hereditary cancer-predisposing syndrome. Last evaluated: 2025-09-28. Review status: criteria provided, single submitter. Criteria: Ambry Variant Classification Scheme 2023. Collection method: clinical testing. Allele origin: germline.
Comment: The p.Q2143R variant (also known as c.6428A>G), located in coding exon 46 of the POLE gene, results from an A to G substitution at nucleotide position 6428. The glutamine at codon 2143 is replaced by arginine, an amino acid with highly similar properties. This amino acid position is conserved. In addition, this alteration is predicted to be tolerated by in silico analysis. Since supporting evidence is limited at this time, the clinical significance of this alteration remains unclear.

Labcorp Genetics (formerly Invitae), Labcorp
Classification: Uncertain significance. Last evaluated: 2025-06-17. Review status: criteria provided, single submitter. Criteria: Invitae Variant Classification Sherloc (09022015). Collection method: clinical testing. Allele origin: germline.
Comment: This sequence change replaces glutamine, which is neutral and polar, with arginine, which is basic and polar, at codon 2143 of the POLE protein (p.Gln2143Arg). This variant is present in population databases (rs761600734, gnomAD 0.003%). This variant has not been reported in the literature in individuals affected with POLE-related conditions. ClinVar contains an entry for this variant (Variation ID: 642147). Invitae Evidence Modeling of protein sequence and biophysical properties (such as structural, functional, and spatial information, amino acid conservation, physicochemical variation, residue mobility, and thermodynamic stability) indicates that this missense variant is not expected to disrupt POLE protein function with a negative predictive value of 80%. In summary, the available evidence is currently insufficient to determine the role of this variant in disease. Therefore, it has been classified as a Variant of Uncertain Significance.

GeneDx
Classification: Uncertain significance. Last evaluated: 2019-09-19. Review status: criteria provided, single submitter. Criteria: GeneDx Variant Classification Process June 2021. Collection method: clinical testing. Allele origin: germline. Affected: yes.
Comment: Not observed at a significant frequency in large population cohorts (Lek 2016); In silico analysis, which includes protein predictors and evolutionary conservation, supports that this variant does not alter protein structure/function; Has not been previously published as pathogenic or benign to our knowledge

NM_006231.4(POLE):c.6428A>G (p.Gln2143Arg)

Gene: POLE (DNA polymerase epsilon, catalytic subunit; minus strand). Cytogenetic location: 12q24.33.
Variant type: single nucleotide variant.
Coding change: c.6428A>G on transcript NM_006231.4 (MANE Select); coding-DNA position 6428, A replaced by G.
Protein change: p.Gln2143Arg; replaces glutamine 2143 with arginine.
Molecular consequence: missense variant.
Genome position (GRCh38, 1-based): chr12:132,626,220, T>C on the plus strand (A>G on the coding strand, the complement: POLE is on the minus strand). VCF-style: chr12-132626220-T-C. GRCh37 (hg19) VCF-style: chr12-133202806-T-C.
Other names: c.6428A>G (NM_006231.2); short protein forms Q2143R.
Identifiers: ClinVar variation 642147 (VCV000642147.14), dbSNP rs761600734, ClinGen allele CA6892182.